The following is an entry in ClinVar:

ClinVar aggregate classification (germline): Uncertain significance (1 of 4 stars; one submission).

gnomAD v4.1: 2 of 1,614,132 alleles (0.00012%); highest among the groups gnomAD compares: Non-Finnish European, 0.00017%; no homozygotes.

Submission:

Labcorp Genetics (formerly Invitae), Labcorp
Classification: Uncertain significance. Last evaluated: 2024-03-07. Review status: criteria provided, single submitter. Criteria: Invitae Variant Classification Sherloc (09022015). Collection method: clinical testing. Allele origin: germline.
Comment: This sequence change replaces aspartic acid, which is acidic and polar, with histidine, which is basic and polar, at codon 566 of the TNFAIP3 protein (p.Asp566His). This variant is present in population databases (no rsID available, gnomAD 0.0009%). This variant has not been reported in the literature in individuals affected with TNFAIP3-related conditions. Advanced modeling of protein sequence and biophysical properties (such as structural, functional, and spatial information, amino acid conservation, physicochemical variation, residue mobility, and thermodynamic stability) has been performed at Invitae for this missense variant, however the output from this modeling did not meet the statistical confidence thresholds required to predict the impact of this variant on TNFAIP3 protein function. In summary, the available evidence is currently insufficient to determine the role of this variant in disease. Therefore, it has been classified as a Variant of Uncertain Significance.

NM_001270508.2(TNFAIP3):c.1696G>C (p.Asp566His)

Gene: TNFAIP3 (TNF alpha induced protein 3; plus strand). Cytogenetic location: 6q23.3.
Variant type: single nucleotide variant.
Coding change: c.1696G>C on transcript NM_001270508.2 (MANE Select); coding-DNA position 1696, G replaced by C.
Protein change: p.Asp566His; replaces aspartic acid 566 with histidine.
Molecular consequence: missense variant.
Genome position (GRCh38, 1-based): chr6:137,879,141, G>C. VCF-style: chr6-137879141-G-C. GRCh37 (hg19) VCF-style: chr6-138200278-G-C.
Other names: c.1696G>C, p.Asp566His (NM_001270507.2, NM_006290.4); short protein forms D566H.
Identifiers: ClinVar variation 3639338 (VCV003639338.2).